The following is an entry in ClinVar:

NM_001290321.3(DMXL1):c.939T>C (p.Asn313=)

Gene: DMXL1 (Dmx like 1; plus strand). Cytogenetic location: 5q23.1.
Variant type: single nucleotide variant.
Coding change: c.939T>C on transcript NM_001290321.3 (MANE Select); coding-DNA position 939, T replaced by C.
Protein change: p.Asn313=; no amino-acid change (asparagine 313 retained).
Molecular consequence: synonymous variant. On other transcripts: non-coding transcript variant (3).
Genome position (GRCh38, 1-based): chr5:119,120,976, T>C. VCF-style: chr5-119120976-T-C. GRCh37 (hg19) VCF-style: chr5-118456671-T-C.
Other names: c.939T>C, p.Asn313= (NM_001349239.2, NM_001349240.2, NM_001387933.1 and 4 more transcripts).
Identifiers: ClinVar variation 3033146 (VCV003033146.2), dbSNP rs115635986, ClinGen allele CA3379292.

ClinVar aggregate classification (germline): Benign (0 of 4 stars; one submission).

Conditions:
DMXL1-related disorder. Also called: DMXL1-related condition.

Allele frequency attached by ClinVar (database versions not stated): gnomAD exomes 0.00048; ExAC 0.00140; 1000 Genomes Project 30x 0.00437; 1000 Genomes Project 0.00439; gnomAD 0.00448; TOPMed 0.00542; ESP Exome Variant Server 0.00561.
gnomAD v4.1: 1,405 of 1,608,410 alleles (0.087%); highest among the groups gnomAD compares: African/African-American, 1.7%; 9 homozygotes.

Submission:

PreventionGenetics, part of Exact Sciences
Classification: Benign for DMXL1-related condition. Last evaluated: 2019-06-12. Review status: no assertion criteria provided. Collection method: clinical testing. Allele origin: germline.
Comment: This variant is classified as benign based on ACMG/AMP sequence variant interpretation guidelines (Richards et al. 2015 PMID: 25741868, with internal and published modifications).